The following is an entry in ClinVar:

ClinVar aggregate classification (germline): Uncertain significance. Review status: criteria provided, multiple submitters, no conflicts (2 of 4 stars). 5 submissions from 5 submitters: Uncertain significance (5). Last evaluated 2025-09-05.

Conditions:
Osteogenesis imperfecta type I (OI1). Also called: OI, TYPE I; OSTEOGENESIS IMPERFECTA TARDA; OSTEOGENESIS IMPERFECTA WITH BLUE SCLERAE; Osteogenesis imperfecta type 1; Classic Non-deforming Osteogenesis Imperfecta with Blue Sclerae; Lobstein's Disease. Identifiers: Orphanet 216796, Orphanet 666, MedGen C0023931, MONDO:0008146, OMIM 166200. Disease mechanism: loss of function.
Ehlers-Danlos syndrome, classic type, 1 (EDSCL1). Also called: EHLERS-DANLOS SYNDROME, GRAVIS TYPE; EHLERS-DANLOS SYNDROME, SEVERE CLASSIC TYPE; EDS I; Ehlers-Danlos Syndrome, Classic Type, COL5A1-Related; Ehlers-Danlos syndrome, type 1. Identifiers: MedGen C0268335, MONDO:0019567, OMIM 130000.
Ehlers-Danlos syndrome (EDS). Identifiers: Orphanet 98249, MedGen C0013720, MONDO:0020066.
Cardiovascular phenotype. Identifiers: MedGen CN230736.

Allele frequency attached by ClinVar (database versions not stated): gnomAD exomes 0.00001; ExAC 0.00001; TOPMed 0.00001.
gnomAD v4.1: 8 of 1,612,618 alleles (0.0005%); highest among the groups gnomAD compares: Non-Finnish European, 0.00068%; no homozygotes.

Submissions (5):

Ambry Genetics
Classification: Uncertain significance for Cardiovascular phenotype. Last evaluated: 2025-09-05. Review status: criteria provided, single submitter. Criteria: Ambry Variant Classification Scheme 2023. Collection method: clinical testing. Allele origin: germline.
Comment: The p.Y1178H variant (also known as c.3532T>C), located in coding exon 50 of the COL1A2 gene, results from a T to C substitution at nucleotide position 3532. The tyrosine at codon 1178 is replaced by histidine, an amino acid with similar properties. This amino acid position is highly conserved in available vertebrate species. In addition, this alteration is predicted to be deleterious by in silico analysis. Based on the available evidence, the clinical significance of this variant remains unclear.

GeneDx
Classification: Uncertain significance. Last evaluated: 2023-12-23. Review status: criteria provided, single submitter. Criteria: GeneDx Variant Classification Process June 2021. Collection method: clinical testing. Allele origin: germline. Affected: yes.
Comment: In silico analysis supports that this missense variant has a deleterious effect on protein structure/function; Has not been previously published as pathogenic or benign to our knowledge

Genome Diagnostics Laboratory, The Hospital for Sick Children
Classification: Uncertain significance for Ehlers-Danlos syndrome. Last evaluated: 2021-11-24. Review status: criteria provided, single submitter. Criteria: ACMG Guidelines, 2015. Collection method: clinical testing. Allele origin: germline.

Revvity Omics, Revvity
Classification: Uncertain significance. Last evaluated: 2021-06-30. Review status: criteria provided, single submitter. Criteria: ACMG Guidelines, 2015. Collection method: clinical testing. Allele origin: germline.

Labcorp Genetics (formerly Invitae), Labcorp
Classification: Uncertain significance for Osteogenesis imperfecta type I; Ehlers-Danlos syndrome, classic type, 1. Last evaluated: 2020-06-30. Review status: criteria provided, single submitter. Criteria: Invitae Variant Classification Sherloc (09022015). Collection method: clinical testing. Allele origin: germline.
Comment: In summary, the available evidence is currently insufficient to determine the role of this variant in disease. Therefore, it has been classified as a Variant of Uncertain Significance. Algorithms developed to predict the effect of missense changes on protein structure and function are either unavailable or do not agree on the potential impact of this missense change (SIFT: "Deleterious"; PolyPhen-2: "Not Available"; Align-GVGD: "Class C0"). This variant has not been reported in the literature in individuals with COL1A2-related conditions. This variant is present in population databases (rs750815565, ExAC 0.001%). This sequence change replaces tyrosine with histidine at codon 1178 of the COL1A2 protein (p.Tyr1178His). The tyrosine residue is highly conserved and there is a moderate physicochemical difference between tyrosine and histidine.

NM_000089.4(COL1A2):c.3532T>C (p.Tyr1178His)

Gene: COL1A2 (collagen type I alpha 2 chain; plus strand). Cytogenetic location: 7q21.3.
Variant type: single nucleotide variant.
Coding change: c.3532T>C on transcript NM_000089.4 (MANE Select); coding-DNA position 3532, T replaced by C.
Protein change: p.Tyr1178His; replaces tyrosine 1178 with histidine.
Molecular consequence: missense variant.
Genome position (GRCh38, 1-based): chr7:94,428,298, T>C. VCF-style: chr7-94428298-T-C. GRCh37 (hg19) VCF-style: chr7-94057610-T-C.
Other names: short protein forms Y1178H.
Identifiers: ClinVar variation 1046126 (VCV001046126.18), dbSNP rs750815565, ClinGen allele CA4347787.